The following is an entry in ClinVar:

ClinVar aggregate classification (germline): Likely benign (1 of 4 stars; one submission).

Conditions:
Familial cancer of breast. Also called: Hereditary breast cancer; BREAST CANCER, FAMILIAL; hereditary breast carcinoma. Identifiers: Orphanet 227535, MedGen C0346153, MONDO:0016419, OMIM 114480. Disease mechanism: loss of function.

Submission:

Myriad Genetics, Inc.
Classification: Likely benign for Familial cancer of breast. Last evaluated: 2024-10-02. Review status: criteria provided, single submitter. Criteria: Myriad Autosomal Dominant, Autosomal Recessive and X-Linked Classification Criteria (2023). Collection method: clinical testing. Allele origin: unknown.
Comment: This variant is considered likely benign. This variant is intronic and is not expected to impact mRNA splicing.

NM_007194.4(CHEK2):c.320-9A>G

Gene: CHEK2 (checkpoint kinase 2; minus strand). Cytogenetic location: 22q12.1.
Variant type: single nucleotide variant.
Coding change: c.320-9A>G on transcript NM_007194.4 (MANE Select); 9 bases into the intron before coding-DNA position 320, A replaced by G.
Molecular consequence: intron variant.
Genome position (GRCh38, 1-based): chr22:28,725,376, T>C on the plus strand (A>G on the coding strand, the complement: CHEK2 is on the minus strand). VCF-style: chr22-28725376-T-C. GRCh37 (hg19) VCF-style: chr22-29121364-T-C.
Other names: c.-344-9A>G (NM_001437942.1); c.320-9A>G (NM_001349956.3, NM_145862.3); c.-458-9A>G (NM_001257387.3); c.413-9A>G (NM_001438295.1, NM_001438293.1); c.449-9A>G (NM_001438294.1, NM_001005735.3).
Identifiers: ClinVar variation 3772865 (VCV003772865.1).